The following is an entry in ClinVar:

ClinVar aggregate classification (germline): Uncertain significance (1 of 4 stars; one submission).

Conditions:
Long QT syndrome (LQTS). Identifiers: MedGen C0023976, MeSH D008133, MONDO:0002442. Disease mechanism: loss of function. Inheritance: Various modes of inheritance.

gnomAD v4.1: 1 of 1,576,370 alleles (0.000063%); highest among the groups gnomAD compares: Non-Finnish European, 0.000087%; no homozygotes.

Submission:

Labcorp Genetics (formerly Invitae), Labcorp
Classification: Uncertain significance for Long QT syndrome. Last evaluated: 2024-02-29. Review status: criteria provided, single submitter. Criteria: Invitae Variant Classification Sherloc (09022015). Collection method: clinical testing. Allele origin: germline.
Comment: This sequence change falls in intron 13 of the CACNA1C gene. It does not directly change the encoded amino acid sequence of the CACNA1C protein. It affects a nucleotide within the consensus splice site. This variant is not present in population databases (gnomAD no frequency). This variant has not been reported in the literature in individuals affected with CACNA1C-related conditions. Variants that disrupt the consensus splice site are a relatively common cause of aberrant splicing (PMID: 17576681, 9536098). Algorithms developed to predict the effect of sequence changes on RNA splicing suggest that this variant may disrupt the consensus splice site. In summary, the available evidence is currently insufficient to determine the role of this variant in disease. Therefore, it has been classified as a Variant of Uncertain Significance.

Literature cited by the submitters: PubMed 17576681; PubMed 9536098.

NM_000719.7(CACNA1C):c.1895+3A>G

Gene: CACNA1C (calcium voltage-gated channel subunit alpha1 C; plus strand). Cytogenetic location: 12p13.33.
Variant type: single nucleotide variant.
Coding change: c.1895+3A>G on transcript NM_000719.7 (MANE Select); 3 bases into the intron after coding-DNA position 1895, A replaced by G.
Molecular consequence: intron variant.
Genome position (GRCh38, 1-based): chr12:2,567,797, A>G. VCF-style: chr12-2567797-A-G. GRCh37 (hg19) VCF-style: chr12-2676963-A-G.
Other names: c.1895+3A>G (NM_001167624.3, NM_001167623.2, NM_001167625.2 and 18 more transcripts); c.1886+3A>G (NM_001129844.2).
Identifiers: ClinVar variation 3631015 (VCV003631015.2).